The following is an entry in ClinVar:

NM_000784.4(CYP27A1):c.373C>G (p.Pro125Ala)

Gene: CYP27A1 (cytochrome P450 family 27 subfamily A member 1; plus strand). Cytogenetic location: 2q35.
Variant type: single nucleotide variant.
Coding change: c.373C>G on transcript NM_000784.4 (MANE Select); coding-DNA position 373, C replaced by G.
Protein change: p.Pro125Ala; replaces proline 125 with alanine.
Molecular consequence: missense variant.
Genome position (GRCh38, 1-based): chr2:218,809,694, C>G. VCF-style: chr2-218809694-C-G. GRCh37 (hg19) VCF-style: chr2-219674417-C-G.
Other names: short protein forms P125A.
Identifiers: ClinVar variation 1358854 (VCV001358854.5), dbSNP rs1046723537, ClinGen allele CA65830435.
Genomic context (GRCh38, chr2:218,809,694, plus strand): 5'-CACGTGAACCTGGCCAGTGCCCCGCTCTTGGAGCAAGTGATGCGGCAAGAGGGCAAGTAC[C>G]CAGTACGGAACGACATGGAGCTATGGAAGGAGCACCGGGACCAGCACGACCTGACCTATG-3'
Protein context (NP_000775.1, residues 115-135): EQVMRQEGKY[Pro125Ala]VRNDMELWKE

ClinVar aggregate classification (germline): Uncertain significance. Review status: criteria provided, multiple submitters, no conflicts (2 of 4 stars). 2 submissions from 2 submitters: Uncertain significance (2). Last evaluated 2022-08-13.

Conditions:
Cardiovascular phenotype. Identifiers: MedGen CN230736.
Cholestanol storage disease (CTX). Also called: CEREBRAL CHOLESTERINOSIS; CTX: Cerebrotendinous xanthomatosis; Cerebrotendinous Xanthomatosis. Identifiers: Orphanet 909, MedGen C0238052, MONDO:0008948, OMIM 213700.

Allele frequency attached by ClinVar (database versions not stated): gnomAD exomes 0.00001; gnomAD 0.00002 and 0.00003; TOPMed 0.00003.
gnomAD v4.1: 18 of 1,614,042 alleles (0.0011%); highest among the groups gnomAD compares: Middle Eastern, 0.033%; no homozygotes.

Submissions (2):

Labcorp Genetics (formerly Invitae), Labcorp
Classification: Uncertain significance for Cholestanol storage disease. Last evaluated: 2022-08-13. Review status: criteria provided, single submitter. Criteria: Invitae Variant Classification Sherloc (09022015). Collection method: clinical testing. Allele origin: germline.
Comment: This sequence change replaces proline, which is neutral and non-polar, with alanine, which is neutral and non-polar, at codon 125 of the CYP27A1 protein (p.Pro125Ala). This variant is present in population databases (no rsID available, gnomAD 0.008%). This variant has not been reported in the literature in individuals affected with CYP27A1-related conditions. ClinVar contains an entry for this variant (Variation ID: 1358854). Algorithms developed to predict the effect of missense changes on protein structure and function (SIFT, PolyPhen-2, Align-GVGD) all suggest that this variant is likely to be disruptive. Algorithms developed to predict the effect of sequence changes on RNA splicing suggest that this variant may create or strengthen a splice site. In summary, the available evidence is currently insufficient to determine the role of this variant in disease. Therefore, it has been classified as a Variant of Uncertain Significance.

Ambry Genetics
Classification: Uncertain significance for Cardiovascular phenotype. Last evaluated: 2022-08-08. Review status: criteria provided, single submitter. Criteria: Ambry Variant Classification Scheme 2023. Collection method: clinical testing. Allele origin: germline.
Comment: The p.P125A variant (also known as c.373C>G), located in coding exon 2 of the CYP27A1 gene, results from a C to G substitution at nucleotide position 373. The proline at codon 125 is replaced by alanine, an amino acid with highly similar properties. This amino acid position is conserved. In addition, the in silico prediction for this alteration is inconclusive. Since supporting evidence is limited at this time, the clinical significance of this alteration remains unclear.